The following is an entry in ClinVar:

NM_004525.3(LRP2):c.10711T>A (p.Leu3571Ile)

Gene: LRP2 (LDL receptor related protein 2; minus strand). Cytogenetic location: 2q31.1.
Variant type: single nucleotide variant.
Coding change: c.10711T>A on transcript NM_004525.3 (MANE Select); coding-DNA position 10711, T replaced by A.
Protein change: p.Leu3571Ile; replaces leucine 3571 with isoleucine.
Molecular consequence: missense variant.
Genome position (GRCh38, 1-based): chr2:169,175,250, A>T on the plus strand (T>A on the coding strand, the complement: LRP2 is on the minus strand). VCF-style: chr2-169175250-A-T. GRCh37 (hg19) VCF-style: chr2-170031760-A-T.
Other names: short protein forms L3571I.
Identifiers: ClinVar variation 1970269 (VCV001970269.2), dbSNP rs1242717497, ClinGen allele CA349146449.
Genomic context (GRCh38, chr2:169,175,250, plus strand): 5'-CACCACAAAGAAGACGGTCTTCATCAGACCCATCAGGGCAATTTTGGTGAGCATTGCATA[A>T]AGTCTGCGGGCTGGTGCAGTTGCCGTCACTGCACTGGAACTGTCCCAGTCGGCAGAAGCG-3'
Protein context (NP_004516.2, residues 3561-3581): SDGNCTSPQT[Leu3571Ile]CNAHQNCPDG

ClinVar aggregate classification (germline): Uncertain significance (1 of 4 stars; one submission).

Allele frequency attached by ClinVar (database versions not stated): gnomAD exomes below 0.00001; TOPMed below 0.00001; gnomAD 0.00001.
gnomAD v4.1: 2 of 1,614,074 alleles (0.00012%); highest among the groups gnomAD compares: Non-Finnish European, 0.00017%; no homozygotes.

Submission:

Labcorp Genetics (formerly Invitae), Labcorp
Classification: Uncertain significance. Last evaluated: 2022-07-05. Review status: criteria provided, single submitter. Criteria: Invitae Variant Classification Sherloc (09022015). Collection method: clinical testing. Allele origin: germline.
Comment: This sequence change replaces leucine, which is neutral and non-polar, with isoleucine, which is neutral and non-polar, at codon 3571 of the LRP2 protein (p.Leu3571Ile). This variant is not present in population databases (gnomAD no frequency). This variant has not been reported in the literature in individuals affected with LRP2-related conditions. Advanced modeling of protein sequence and biophysical properties (such as structural, functional, and spatial information, amino acid conservation, physicochemical variation, residue mobility, and thermodynamic stability) performed at Invitae indicates that this missense variant is not expected to disrupt LRP2 protein function. In summary, the available evidence is currently insufficient to determine the role of this variant in disease. Therefore, it has been classified as a Variant of Uncertain Significance.